The following is an entry in ClinVar:

ClinVar aggregate classification (germline): Uncertain significance. Review status: criteria provided, multiple submitters, no conflicts (2 of 4 stars). 2 submissions from 2 submitters: Uncertain significance (2). Last evaluated 2025-08-14.

Conditions:
Hereditary cancer-predisposing syndrome. Also called: Neoplastic Syndromes, Hereditary; Hereditary neoplastic syndrome; Hereditary Cancer Syndrome; Tumor predisposition. Identifiers: Orphanet 140162, MedGen C0027672, MeSH D009386, MONDO:0015356.
Cardiovascular phenotype. Identifiers: MedGen CN230736.

Submissions (2):

Ambry Genetics
Classification: Uncertain significance for Cardiovascular phenotype; Hereditary cancer-predisposing syndrome. Last evaluated: 2025-08-14. Review status: criteria provided, single submitter. Criteria: Ambry Variant Classification Scheme 2023. Collection method: clinical testing. Allele origin: germline.
Comment: The p.F521L variant (also known as c.1563C>G), located in coding exon 14 of the LZTR1 gene, results from a C to G substitution at nucleotide position 1563. The phenylalanine at codon 521 is replaced by leucine, an amino acid with highly similar properties. This amino acid position is conserved. In addition, the in silico prediction for this alteration is inconclusive. Based on the available evidence, the clinical significance of this variant remains unclear.

Labcorp Genetics (formerly Invitae), Labcorp
Classification: Uncertain significance. Last evaluated: 2023-12-17. Review status: criteria provided, single submitter. Criteria: Invitae Variant Classification Sherloc (09022015). Collection method: clinical testing. Allele origin: germline.
Comment: This sequence change replaces phenylalanine, which is neutral and non-polar, with leucine, which is neutral and non-polar, at codon 521 of the LZTR1 protein (p.Phe521Leu). This variant is not present in population databases (gnomAD no frequency). This variant has not been reported in the literature in individuals affected with LZTR1-related conditions. Advanced modeling of protein sequence and biophysical properties (such as structural, functional, and spatial information, amino acid conservation, physicochemical variation, residue mobility, and thermodynamic stability) performed at Invitae indicates that this missense variant is not expected to disrupt LZTR1 protein function with a negative predictive value of 80%. In summary, the available evidence is currently insufficient to determine the role of this variant in disease. Therefore, it has been classified as a Variant of Uncertain Significance.

NM_006767.4(LZTR1):c.1563C>G (p.Phe521Leu)

Gene: LZTR1 (leucine zipper like post translational regulator 1; plus strand). Cytogenetic location: 22q11.21.
Variant type: single nucleotide variant.
Coding change: c.1563C>G on transcript NM_006767.4 (MANE Select); coding-DNA position 1563, C replaced by G.
Protein change: p.Phe521Leu; replaces phenylalanine 521 with leucine.
Molecular consequence: missense variant.
Genome position (GRCh38, 1-based): chr22:20,994,217, C>G. VCF-style: chr22-20994217-C-G. GRCh37 (hg19) VCF-style: chr22-21348506-C-G.
Other names: c.1563C>G (NM_006767.3); short protein forms F521L.
Identifiers: ClinVar variation 2976740 (VCV002976740.4), dbSNP rs145974096, ClinGen allele CA410775993.
Genomic context (GRCh38, chr22:20,994,217, plus strand): 5'-TGGTGGGGCCCGGCCGCCCCTGCTGCACGTGGCCATCCGGGAGGCCGAGGCCCGGCCCTT[C>G]GAGGTGCTCATGCAGTTCCTCTACACCGACAAGATCAAATACCCACGGAAAGGTCCGCCT-3'
Protein context (NP_006758.2, residues 511-531): VAIREAEARP[Phe521Leu]EVLMQFLYTD